The following is an entry in ClinVar:

ClinVar aggregate classification (germline): Uncertain significance. Review status: criteria provided, multiple submitters, no conflicts (2 of 4 stars). 3 submissions from 3 submitters: Uncertain significance (3). Last evaluated 2025-04-01.

Conditions:
Familial cancer of breast. Also called: BREAST CANCER, FAMILIAL; Hereditary breast cancer; hereditary breast carcinoma. Identifiers: Orphanet 227535, MedGen C0346153, MONDO:0016419, OMIM 114480. Disease mechanism: loss of function.
Hereditary cancer-predisposing syndrome. Also called: Neoplastic Syndromes, Hereditary; Tumor predisposition; Hereditary Cancer Syndrome; Hereditary neoplastic syndrome. Identifiers: Orphanet 140162, MedGen C0027672, MeSH D009386, MONDO:0015356.

Allele frequency attached by ClinVar (database versions not stated): gnomAD exomes below 0.00001; gnomAD 0.00001; TOPMed 0.00002.
gnomAD v4.1: 1 of 1,613,994 alleles (0.000062%); highest among the groups gnomAD compares: African/African-American, 0.0013%; no homozygotes.

Submissions (3):

Mayo Clinic Laboratories, Mayo Clinic
Classification: Uncertain significance. Last evaluated: 2025-04-01. Review status: criteria provided, single submitter. Criteria: ACMG Guidelines, 2015. Collection method: clinical testing. Allele origin: germline. Observed: 1 variant allele.
Comment: BP1

Ambry Genetics
Classification: Uncertain significance for Hereditary cancer-predisposing syndrome. Last evaluated: 2024-04-28. Review status: criteria provided, single submitter. Criteria: Ambry Variant Classification Scheme 2023. Collection method: clinical testing. Allele origin: germline.
Comment: The p.D722G variant (also known as c.2165A>G), located in coding exon 5 of the PALB2 gene, results from an A to G substitution at nucleotide position 2165. The aspartic acid at codon 722 is replaced by glycine, an amino acid with similar properties. This amino acid position is not well conserved in available vertebrate species. In addition, this alteration is predicted to be tolerated by in silico analysis. Since supporting evidence is limited at this time, the clinical significance of this alteration remains unclear.

Labcorp Genetics (formerly Invitae), Labcorp
Classification: Uncertain significance for Familial cancer of breast. Last evaluated: 2024-01-16. Review status: criteria provided, single submitter. Criteria: Invitae Variant Classification Sherloc (09022015). Collection method: clinical testing. Allele origin: germline.
Comment: This sequence change replaces aspartic acid, which is acidic and polar, with glycine, which is neutral and non-polar, at codon 722 of the PALB2 protein (p.Asp722Gly). This variant is not present in population databases (gnomAD no frequency). This variant has not been reported in the literature in individuals affected with PALB2-related conditions. ClinVar contains an entry for this variant (Variation ID: 820827). Advanced modeling of protein sequence and biophysical properties (such as structural, functional, and spatial information, amino acid conservation, physicochemical variation, residue mobility, and thermodynamic stability) performed at Invitae indicates that this missense variant is not expected to disrupt PALB2 protein function with a negative predictive value of 80%. In summary, the available evidence is currently insufficient to determine the role of this variant in disease. Therefore, it has been classified as a Variant of Uncertain Significance.

NM_024675.4(PALB2):c.2165A>G (p.Asp722Gly)

Gene: PALB2 (partner and localizer of BRCA2; minus strand). Cytogenetic location: 16p12.2.
Variant type: single nucleotide variant.
Coding change: c.2165A>G on transcript NM_024675.4 (MANE Select); coding-DNA position 2165, A replaced by G.
Protein change: p.Asp722Gly; replaces aspartic acid 722 with glycine.
Molecular consequence: missense variant.
Genome position (GRCh38, 1-based): chr16:23,629,989, T>C on the plus strand (A>G on the coding strand, the complement: PALB2 is on the minus strand). VCF-style: chr16-23629989-T-C. GRCh37 (hg19) VCF-style: chr16-23641310-T-C.
Other names: p.Asp722Gly; short protein forms D722G.
Identifiers: ClinVar variation 820827 (VCV000820827.17), dbSNP rs941888035, ClinGen allele CA279492636.
Genomic context (GRCh38, chr16:23,629,989, plus strand): 5'-GAGCCTTGAGGGCCAAAGGCTGGAGTAGTACCTAAGATGGGGAAAGCAGGTGAACACATG[T>C]CTGTGGTAGGCCTGTCATTATCATCAGGCGCAACCGTATTTAAAGGAGTATAAAGTAATA-3'
Protein context (NP_078951.2, residues 712-732): APDDNDRPTT[Asp722Gly]MCSPAFPILG